The following is an entry in ClinVar:

NM_001999.4(FBN2):c.6637+2T>A

Gene: FBN2 (fibrillin 2; minus strand). Cytogenetic location: 5q23.3.
Variant type: single nucleotide variant.
Coding change: c.6637+2T>A on transcript NM_001999.4 (MANE Select); the canonical splice donor site of the intron after coding-DNA position 6637, T replaced by A.
Molecular consequence: splice donor variant.
Genome position (GRCh38, 1-based): chr5:128,289,125, A>T on the plus strand (T>A on the coding strand, the complement: FBN2 is on the minus strand). VCF-style: chr5-128289125-A-T. GRCh37 (hg19) VCF-style: chr5-127624817-A-T.
Identifiers: ClinVar variation 3731182 (VCV003731182.1).

ClinVar aggregate classification (germline): Uncertain significance (1 of 4 stars; one submission).

Submission:

GeneDx
Classification: Uncertain significance. Last evaluated: 2024-08-13. Review status: criteria provided, single submitter. Criteria: GeneDx Variant Classification Process June 2021. Collection method: clinical testing. Allele origin: germline. Affected: yes.
Comment: Not observed at significant frequency in large population cohorts (gnomAD); Canonical splice site variant in a gene or region of a gene for which loss of function is not a well-established mechanism of disease; Has not been previously published as pathogenic or benign to our knowledge